The following is an entry in ClinVar:

ClinVar aggregate classification (germline): Uncertain significance (1 of 4 stars; one submission).

Submission:

GeneDx
Classification: Uncertain significance. Last evaluated: 2024-06-03. Review status: criteria provided, single submitter. Criteria: GeneDx Variant Classification Process June 2021. Collection method: clinical testing. Allele origin: germline. Affected: yes.
Comment: Not observed at significant frequency in large population cohorts (gnomAD); In silico analysis supports that this missense variant has a deleterious effect on protein structure/function; Has not been previously published as pathogenic or benign to our knowledge

NM_130468.4(CHST14):c.497T>C (p.Met166Thr)

Gene: CHST14 (carbohydrate sulfotransferase 14; plus strand). Cytogenetic location: 15q15.1.
Variant type: single nucleotide variant.
Coding change: c.497T>C on transcript NM_130468.4 (MANE Select); coding-DNA position 497, T replaced by C.
Protein change: p.Met166Thr; replaces methionine 166 with threonine.
Molecular consequence: missense variant.
Genome position (GRCh38, 1-based): chr15:40,471,710, T>C. VCF-style: chr15-40471710-T-C. GRCh37 (hg19) VCF-style: chr15-40763909-T-C.
Other names: short protein forms M166T.
Identifiers: ClinVar variation 3384401 (VCV003384401.1).